The following is an entry in ClinVar:

ClinVar aggregate classification (germline): Uncertain significance (1 of 4 stars; one submission).

Conditions:
Hereditary cancer-predisposing syndrome. Also called: Hereditary neoplastic syndrome; Neoplastic Syndromes, Hereditary; Tumor predisposition; Hereditary Cancer Syndrome. Identifiers: Orphanet 140162, MedGen C0027672, MeSH D009386, MONDO:0015356.

Submission:

Ambry Genetics
Classification: Uncertain significance for Hereditary cancer-predisposing syndrome. Last evaluated: 2025-08-27. Review status: criteria provided, single submitter. Criteria: Ambry Variant Classification Scheme 2023. Collection method: clinical testing. Allele origin: germline.
Comment: The p.F87Y variant (also known as c.260T>A), located in coding exon 3 of the MUTYH gene, results from a T to A substitution at nucleotide position 260. The phenylalanine at codon 87 is replaced by tyrosine, an amino acid with highly similar properties. This amino acid position is conserved. In addition, the in silico prediction for this alteration is inconclusive. Based on the available evidence, the clinical significance of this variant remains unclear.

NM_001048174.2(MUTYH):c.176T>A (p.Phe59Tyr)

Gene: MUTYH (mutY DNA glycosylase; minus strand). Cytogenetic location: 1p34.1.
Variant type: single nucleotide variant.
Coding change: c.176T>A on transcript NM_001048174.2 (MANE Select); coding-DNA position 176, T replaced by A.
Protein change: p.Phe59Tyr; replaces phenylalanine 59 with tyrosine.
Molecular consequence: missense variant. On other transcripts: 5 prime UTR variant (1), non-coding transcript variant (5), intron variant (5).
Genome position (GRCh38, 1-based): chr1:45,333,501, A>T on the plus strand (T>A on the coding strand, the complement: MUTYH is on the minus strand). VCF-style: chr1-45333501-A-T. GRCh37 (hg19) VCF-style: chr1-45799173-A-T.
Other names: c.176T>A, p.Phe59Tyr (NM_001048171.2, NM_001048173.2, NM_001293195.2 and 6 more transcripts); c.179T>A, p.Phe60Tyr (NM_001048172.2, NM_001407071.1, NM_001407078.1 and 2 more transcripts); c.260T>A, p.Phe87Tyr (NM_001128425.2); c.221T>A, p.Phe74Tyr (NM_001293190.2); c.209T>A, p.Phe70Tyr (NM_001293191.2, NM_001407077.1); c.-96T>A (NM_001350650.2); c.251T>A, p.Phe84Tyr (NM_001407069.1, NM_012222.3); c.218T>A, p.Phe73Tyr (NM_001407073.1, NM_001407083.1, NM_001407085.1); and 4 more; short protein forms F59Y, F31Y, F73Y, F60Y, F70Y, F74Y, F66Y, F84Y.
Identifiers: ClinVar variation 4113555 (VCV004113555.1).